The following is an entry in ClinVar:

ClinVar aggregate classification (germline): Conflicting classifications of pathogenicity. Review status: criteria provided, conflicting classifications (1 of 4 stars). 2 submissions from 2 submitters: Uncertain significance (1); Likely benign (1). Last evaluated 2026-07-13.

Conditions:
Wilms tumor 1 (WT1). Also called: Wilms tumor, somatic. Identifiers: Orphanet 654, MedGen CN033288, MONDO:0008679, OMIM 194070.
11p partial monosomy syndrome (WAGR). Also called: WAGR syndrome; WAGR Spectrum Disorder; WAGR Complex; CHROMOSOME 11p13 DELETION SYNDROME. Identifiers: Orphanet 893, MedGen C0206115, MONDO:0008681, OMIM 194072.
Drash syndrome (DDS). Also called: NEPHROPATHY, WILMS TUMOR, AND GENITAL ANOMALIES; WILMS TUMOR AND PSEUDO- OR TRUE HERMAPHRODITISM. Identifiers: Orphanet 220, MedGen C0950121, MONDO:0008682, OMIM 194080.
Frasier syndrome. Identifiers: Orphanet 347, MedGen C0950122, MeSH D052159, MONDO:0007635, OMIM 136680.
Inborn genetic diseases. Identifiers: MedGen C0950123, MeSH D030342.

Allele frequency attached by ClinVar (database versions not stated): TOPMed 0.00001.

Submissions (2):

Ambry Genetics
Classification: Likely benign for Inborn genetic diseases. Last evaluated: 2026-07-13. Review status: criteria provided, single submitter. Criteria: Ambry Variant Classification Scheme 2023. Collection method: clinical testing. Allele origin: germline.

Labcorp Genetics (formerly Invitae), Labcorp
Classification: Uncertain significance for Wilms tumor 1; Drash syndrome; 11p partial monosomy syndrome; Frasier syndrome. Last evaluated: 2024-01-03. Review status: criteria provided, single submitter. Criteria: Invitae Variant Classification Sherloc (09022015). Collection method: clinical testing. Allele origin: germline.
Comment: This sequence change replaces proline, which is neutral and non-polar, with alanine, which is neutral and non-polar, at codon 36 of the WT1 protein (p.Pro36Ala). This variant is not present in population databases (gnomAD no frequency). This variant has not been reported in the literature in individuals affected with WT1-related conditions. ClinVar contains an entry for this variant (Variation ID: 576484). Advanced modeling of protein sequence and biophysical properties (such as structural, functional, and spatial information, amino acid conservation, physicochemical variation, residue mobility, and thermodynamic stability) has been performed at Invitae for this missense variant, however the output from this modeling did not meet the statistical confidence thresholds required to predict the impact of this variant on WT1 protein function. In summary, the available evidence is currently insufficient to determine the role of this variant in disease. Therefore, it has been classified as a Variant of Uncertain Significance.

NM_024426.6(WT1):c.121C>G (p.Pro41Ala)

Genes: WT1 (WT1 transcription factor; minus strand), LOC107982234 (WT1/WT1-AS bi-directional promoter region; plus strand). Cytogenetic location: 11p13.
Variant type: single nucleotide variant.
Coding change: c.121C>G on transcript NM_024426.6 (MANE Select); coding-DNA position 121, C replaced by G.
Protein change: p.Pro41Ala; replaces proline 41 with alanine.
Molecular consequence: missense variant. On other transcripts: non-coding transcript variant (1).
Genome position (GRCh38, 1-based): chr11:32,435,240, G>C on the plus strand (C>G on the coding strand, the complement: WT1 is on the minus strand). VCF-style: chr11-32435240-G-C. GRCh37 (hg19) VCF-style: chr11-32456786-G-C.
Other names: c.121C>G, p.Pro41Ala (NM_000378.6, NM_024424.5); short protein forms P41A.
Identifiers: ClinVar variation 576484 (VCV000576484.11), dbSNP rs926668379, ClinGen allele CA379966341.